The following is an entry in ClinVar:

ClinVar aggregate classification (germline): Likely benign (1 of 4 stars; one submission).

Submission:

CeGaT Center for Human Genetics Tuebingen
Classification: Likely benign. Last evaluated: 2024-07-01. Review status: criteria provided, single submitter. Criteria: CeGaT Center For Human Genetics Tuebingen Variant Classification Criteria Version 2. Collection method: clinical testing. Allele origin: germline. Affected: yes. Observed: 1 variant allele.
Comment: NKX2-1: PM2:Supporting, BP4, BP7

NM_001079668.3(NKX2-1):c.1122A>G (p.Val374=)

Genes: NKX2-1 (NK2 homeobox 1; minus strand), SFTA3 (surfactant associated 3; minus strand). Cytogenetic location: 14q13.3.
Variant type: single nucleotide variant.
Coding change: c.1122A>G on transcript NM_001079668.3 (MANE Select); coding-DNA position 1122, A replaced by G.
Protein change: p.Val374=; no amino-acid change (valine 374 retained).
Molecular consequence: synonymous variant.
Genome position (GRCh38, 1-based): chr14:36,517,362, T>C on the plus strand (A>G on the coding strand, the complement: NKX2-1 is on the minus strand). VCF-style: chr14-36517362-T-C. GRCh37 (hg19) VCF-style: chr14-36986567-T-C.
Other names: c.1032A>G, p.Val344= (NM_003317.4).
Identifiers: ClinVar variation 3257301 (VCV003257301.17).